The following is an entry in ClinVar:

ClinVar aggregate classification (germline): Pathogenic (1 of 4 stars; one submission).

Submission:

Ambry Genetics
Classification: Pathogenic. Last evaluated: 2026-03-30. Review status: criteria provided, single submitter. Criteria: Ambry Variant Classification Scheme 2023. Collection method: clinical testing. Allele origin: germline.
Comment: The c.1099C>T (p.R367*) alteration, located in exon 10 (coding exon 10) of the GSK3B gene, consists of a C to T substitution at nucleotide position 1099. This changes the amino acid from an arginine (R) to a stop codon at amino acid position 367. This alteration is expected to result in loss of function by premature protein truncation or nonsense-mediated mRNA decay. This variant was not reported in population-based cohorts in the Genome Aggregation Database (gnomAD). Based on the available evidence, this alteration is classified as pathogenic.

NM_001146156.2(GSK3B):c.1060C>T (p.Arg354Ter)

Gene: GSK3B (glycogen synthase kinase 3 beta; minus strand). Cytogenetic location: 3q13.33.
Variant type: single nucleotide variant.
Coding change: c.1060C>T on transcript NM_001146156.2 (MANE Select); coding-DNA position 1060, C replaced by T.
Protein change: p.Arg354Ter; replaces arginine 354 with a stop codon.
Molecular consequence: nonsense.
Genome position (GRCh38, 1-based): chr3:119,863,455, G>A on the plus strand (C>T on the coding strand, the complement: GSK3B is on the minus strand). VCF-style: chr3-119863455-G-A. GRCh37 (hg19) VCF-style: chr3-119582302-G-A.
Other names: c.1060C>T, p.Arg354Ter (NM_001354596.2); c.1099C>T, p.Arg367Ter (NM_002093.4); short protein forms R354*, R367*.
Identifiers: ClinVar variation 4858232 (VCV004858232.1).